The following is an entry in ClinVar:

NM_001232.4(CASQ2):c.585C>A (p.Phe195Leu)

Gene: CASQ2 (calsequestrin 2; minus strand). Cytogenetic location: 1p13.1.
Variant type: single nucleotide variant.
Coding change: c.585C>A on transcript NM_001232.4 (MANE Select); coding-DNA position 585, C replaced by A.
Protein change: p.Phe195Leu; replaces phenylalanine 195 with leucine.
Molecular consequence: missense variant.
Genome position (GRCh38, 1-based): chr1:115,732,922, G>T on the plus strand (C>A on the coding strand, the complement: CASQ2 is on the minus strand). VCF-style: chr1-115732922-G-T. GRCh37 (hg19) VCF-style: chr1-116275543-G-T.
Other names: short protein forms F195L.
Identifiers: ClinVar variation 4773069 (VCV004773069.1).

ClinVar aggregate classification (germline): Uncertain significance (1 of 4 stars; one submission).

Conditions:
Catecholaminergic polymorphic ventricular tachycardia 1. Also called: VENTRICULAR TACHYCARDIA, STRESS-INDUCED POLYMORPHIC 1; RYR2-Related Catecholaminergic Polymorphic Ventricular Tachycardia; VENTRICULAR TACHYCARDIA, CATECHOLAMINERGIC POLYMORPHIC, 1, WITH OR WITHOUT ATRIAL DYSFUNCTION AND/OR DILATED CARDIOMYOPATHY. Identifiers: Orphanet 3286, MedGen C1631597, MONDO:0011484, OMIM 604772.

Submission:

Labcorp Genetics (formerly Invitae), Labcorp
Classification: Uncertain significance for Catecholaminergic polymorphic ventricular tachycardia 1. Last evaluated: 2025-09-02. Review status: criteria provided, single submitter. Criteria: Invitae Variant Classification Sherloc (09022015). Collection method: clinical testing. Allele origin: germline.
Comment: This sequence change replaces phenylalanine, which is neutral and non-polar, with leucine, which is neutral and non-polar, at codon 195 of the CASQ2 protein (p.Phe195Leu). This variant is not present in population databases (gnomAD no frequency). This missense change has been observed in individual(s) with autosomal recessive catecholaminergic polymorphic ventricular tachycardia (internal data). In at least one individual the data is consistent with being in trans (on the opposite chromosome) from a pathogenic variant. Invitae Evidence Modeling of protein sequence and biophysical properties (such as structural, functional, and spatial information, amino acid conservation, physicochemical variation, residue mobility, and thermodynamic stability) has been performed for this missense variant. However, the output from this modeling did not meet the statistical confidence thresholds required to predict the impact of this variant on CASQ2 protein function. In summary, the available evidence is currently insufficient to determine the role of this variant in disease. Therefore, it has been classified as a Variant of Uncertain Significance.